The following is an entry in ClinVar:

ClinVar aggregate classification (germline): Likely benign. Review status: criteria provided, multiple submitters, no conflicts (2 of 4 stars). 4 submissions from 4 submitters: Likely benign (4). Last evaluated 2024-07-19.

Conditions:
Inborn genetic diseases. Identifiers: MedGen C0950123, MeSH D030342.
Schuurs-Hoeijmakers syndrome. Also called: PACS1-Related Neurodevelopmental Disorder. Identifiers: Orphanet 329224, MedGen C3554343, MONDO:0014006, OMIM 615009.

Allele frequency attached by ClinVar (database versions not stated): TOPMed 0.00001; gnomAD exomes 0.00002.

Submissions (4):

Labcorp Genetics (formerly Invitae), Labcorp
Classification: Likely benign for Schuurs-Hoeijmakers syndrome. Last evaluated: 2024-07-19. Review status: criteria provided, single submitter. Criteria: Invitae Variant Classification Sherloc (09022015). Collection method: clinical testing. Allele origin: germline.

Blueprint Genetics
Classification: Likely benign. Last evaluated: 2024-03-26. Review status: criteria provided, single submitter. Criteria: ACMG Guidelines, 2015. Collection method: clinical testing. Allele origin: germline.

CeGaT Center for Human Genetics Tuebingen
Classification: Likely benign. Last evaluated: 2023-12-01. Review status: criteria provided, single submitter. Criteria: CeGaT Center For Human Genetics Tuebingen Variant Classification Criteria Version 2. Collection method: clinical testing. Allele origin: germline. Affected: yes. Observed: 1 variant allele.
Comment: PACS1: BP4, BP7

Ambry Genetics
Classification: Likely benign for Inborn genetic diseases. Last evaluated: 2016-07-18. Review status: criteria provided, single submitter. Criteria: Ambry Variant Classification Scheme 2023. Collection method: clinical testing. Allele origin: germline.

NM_018026.4(PACS1):c.636C>T (p.Ala212=)

Gene: PACS1 (phosphofurin acidic cluster sorting protein 1; plus strand). Cytogenetic location: 11q13.2.
Variant type: single nucleotide variant.
Coding change: c.636C>T on transcript NM_018026.4 (MANE Select); coding-DNA position 636, C replaced by T.
Protein change: p.Ala212=; no amino-acid change (alanine 212 retained).
Molecular consequence: synonymous variant.
Genome position (GRCh38, 1-based): chr11:66,211,235, C>T. VCF-style: chr11-66211235-C-T. GRCh37 (hg19) VCF-style: chr11-65978706-C-T.
Identifiers: ClinVar variation 589332 (VCV000589332.33), dbSNP rs1487851344, ClinGen allele CA475300617.
Genomic context (GRCh38, chr11:66,211,235, plus strand): 5'-CATGCTGCAAAGGAGAAAACGTTACAAGAATCGGACCATCTTGGGCTATAAGACCTTGGC[C>T]GTGGGACTCATCAACATGGCAGAGGTGAGAGGAACACAGTCTCCAGACTGTTGGCCTTTG-3'
Protein context (NP_060496.2, residues 202-222): NRTILGYKTL[Ala212=]VGLINMAEVM